The following is an entry in ClinVar:

ClinVar aggregate classification (germline): Uncertain significance (1 of 4 stars; one submission).

Conditions:
Hereditary cancer-predisposing syndrome. Also called: Hereditary neoplastic syndrome; Neoplastic Syndromes, Hereditary; Tumor predisposition; Hereditary Cancer Syndrome. Identifiers: Orphanet 140162, MedGen C0027672, MeSH D009386, MONDO:0015356.

Submission:

Ambry Genetics
Classification: Uncertain significance for Hereditary cancer-predisposing syndrome. Last evaluated: 2025-07-14. Review status: criteria provided, single submitter. Criteria: Ambry Variant Classification Scheme 2023. Collection method: clinical testing. Allele origin: germline.
Comment: The p.L348R variant (also known as c.1043T>G), located in coding exon 9 of the POT1 gene, results from a T to G substitution at nucleotide position 1043. The leucine at codon 348 is replaced by arginine, an amino acid with dissimilar properties. This amino acid position is conserved. In addition, this alteration is predicted to be deleterious by in silico analysis. Based on the available evidence, the clinical significance of this variant remains unclear.

NM_015450.3(POT1):c.1043T>G (p.Leu348Arg)

Gene: POT1 (protection of telomeres 1; minus strand). Cytogenetic location: 7q31.33.
Variant type: single nucleotide variant.
Coding change: c.1043T>G on transcript NM_015450.3 (MANE Select); coding-DNA position 1043, T replaced by G.
Protein change: p.Leu348Arg; replaces leucine 348 with arginine.
Molecular consequence: missense variant. On other transcripts: non-coding transcript variant (3).
Genome position (GRCh38, 1-based): chr7:124,842,927, A>C on the plus strand (T>G on the coding strand, the complement: POT1 is on the minus strand). VCF-style: chr7-124842927-A-C. GRCh37 (hg19) VCF-style: chr7-124482981-A-C.
Other names: c.650T>G, p.Leu217Arg (NM_001042594.2); short protein forms L217R, L348R.
Identifiers: ClinVar variation 4141933 (VCV004141933.1).